The following is an entry in ClinVar:

NM_005566.4(LDHA):c.711-3C>T

Gene: LDHA (lactate dehydrogenase A; plus strand). Cytogenetic location: 11p15.1.
Variant type: single nucleotide variant.
Coding change: c.711-3C>T on transcript NM_005566.4 (MANE Select); 3 bases into the intron before coding-DNA position 711, C replaced by T.
Molecular consequence: intron variant.
Genome position (GRCh38, 1-based): chr11:18,405,446, C>T. VCF-style: chr11-18405446-C-T. GRCh37 (hg19) VCF-style: chr11-18426993-C-T.
Other names: c.710+1635C>T (NM_001165416.2); c.537-3C>T (NM_001135239.2); c.687+1658C>T (NM_001165415.2); c.798-3C>T (NM_001165414.2).
Identifiers: ClinVar variation 2164717 (VCV002164717.4), dbSNP rs879022081, ClinGen allele CA2580082828.

ClinVar aggregate classification (germline): Uncertain significance (1 of 4 stars; one submission).

Conditions:
Glycogen storage disease due to lactate dehydrogenase M-subunit deficiency (GSD11). Also called: Glycogen storage disease XI; GSD XI; LACTATE DEHYDROGENASE A DEFICIENCY. Identifiers: Orphanet 284426, MedGen C2931743, MONDO:0013047, OMIM 612933.

gnomAD v4.1: 1 of 1,612,906 alleles (0.000062%); no homozygotes.

Submission:

Labcorp Genetics (formerly Invitae), Labcorp
Classification: Uncertain significance for Glycogen storage disease due to lactate dehydrogenase M-subunit deficiency. Last evaluated: 2022-07-11. Review status: criteria provided, single submitter. Criteria: Invitae Variant Classification Sherloc (09022015). Collection method: clinical testing. Allele origin: germline.
Comment: In summary, the available evidence is currently insufficient to determine the role of this variant in disease. Therefore, it has been classified as a Variant of Uncertain Significance. Variants that disrupt the consensus splice site are a relatively common cause of aberrant splicing (PMID: 17576681, 9536098). Algorithms developed to predict the effect of sequence changes on RNA splicing suggest that this variant is not likely to affect RNA splicing. This variant has not been reported in the literature in individuals affected with LDHA-related conditions. This variant is not present in population databases (gnomAD no frequency). This sequence change falls in intron 6 of the LDHA gene. It does not directly change the encoded amino acid sequence of the LDHA protein. It affects a nucleotide within the consensus splice site.

Literature cited by the submitters: PubMed 17576681; PubMed 9536098.